The following is an entry in ClinVar:

ClinVar aggregate classification (germline): Uncertain significance (1 of 4 stars; one submission).

Allele frequency attached by ClinVar (database versions not stated): gnomAD exomes below 0.00001.
gnomAD v4.1: 2 of 1,614,120 alleles (0.00012%); highest among the groups gnomAD compares: South Asian, 0.0022%; no homozygotes.

Submission:

Labcorp Genetics (formerly Invitae), Labcorp
Classification: Uncertain significance. Last evaluated: 2021-12-25. Review status: criteria provided, single submitter. Criteria: Invitae Variant Classification Sherloc (09022015). Collection method: clinical testing. Allele origin: germline.
Comment: This sequence change replaces proline, which is neutral and non-polar, with serine, which is neutral and polar, at codon 1230 of the TTLL5 protein (p.Pro1230Ser). This variant is not present in population databases (gnomAD no frequency). This variant has not been reported in the literature in individuals affected with TTLL5-related conditions. Algorithms developed to predict the effect of missense changes on protein structure and function are either unavailable or do not agree on the potential impact of this missense change (SIFT: "Deleterious"; PolyPhen-2: "Possibly Damaging"; Align-GVGD: "Class C0"). In summary, the available evidence is currently insufficient to determine the role of this variant in disease. Therefore, it has been classified as a Variant of Uncertain Significance.

NM_015072.5(TTLL5):c.3688C>T (p.Pro1230Ser)

Gene: TTLL5 (tubulin tyrosine ligase like 5; plus strand). Cytogenetic location: 14q24.3.
Variant type: single nucleotide variant.
Coding change: c.3688C>T on transcript NM_015072.5 (MANE Select); coding-DNA position 3688, C replaced by T.
Protein change: p.Pro1230Ser; replaces proline 1230 with serine.
Molecular consequence: missense variant.
Genome position (GRCh38, 1-based): chr14:75,882,850, C>T. VCF-style: chr14-75882850-C-T. GRCh37 (hg19) VCF-style: chr14-76349193-C-T.
Other names: short protein forms P1230S.
Identifiers: ClinVar variation 1933384 (VCV001933384.2), dbSNP rs2503747906, ClinGen allele CA390537079.